The following is an entry in ClinVar:

ClinVar aggregate classification (germline): Likely benign. Review status: criteria provided, multiple submitters, no conflicts (2 of 4 stars). 3 submissions from 3 submitters: Likely benign (3). Last evaluated 2026-01-19.

Conditions:
Stormorken syndrome (STRMK). Also called: THROMBOCYTOPATHY, ASPLENIA, AND MIOSIS. Identifiers: Orphanet 3204, MedGen C1861451, MONDO:0008497, OMIM 185070.
Myopathy with tubular aggregates (TAM). Also called: Tubular Aggregate Myopathy. Identifiers: Orphanet 2593, MedGen C0410207, MONDO:0008051.
Combined immunodeficiency due to STIM1 deficiency. Also called: IMMUNODEFICIENCY 10; STIM1 DEFICIENCY. Identifiers: Orphanet 169090, Orphanet 317430, MedGen C2748557, MONDO:0013008, OMIM 612783.

Allele frequency attached by ClinVar (database versions not stated): ExAC 0.00006; gnomAD exomes 0.00009 and 0.00015; gnomAD 0.00017 and 0.00020; TOPMed 0.00021.
gnomAD v4.1: 247 of 1,611,814 alleles (0.015%); highest among the groups gnomAD compares: Admixed American, 0.035%; no homozygotes.

Submissions (3):

Labcorp Genetics (formerly Invitae), Labcorp
Classification: Likely benign for Myopathy with tubular aggregates; Combined immunodeficiency due to STIM1 deficiency; Stormorken syndrome. Last evaluated: 2026-01-19. Review status: criteria provided, single submitter. Criteria: Invitae Variant Classification Sherloc (09022015). Collection method: clinical testing. Allele origin: germline.

Blueprint Genetics
Classification: Likely benign. Last evaluated: 2023-05-08. Review status: criteria provided, single submitter. Criteria: ACMG Guidelines, 2015. Collection method: clinical testing. Allele origin: germline.

CeGaT Center for Human Genetics Tuebingen
Classification: Likely benign. Last evaluated: 2022-03-01. Review status: criteria provided, single submitter. Criteria: CeGaT Center For Human Genetics Tuebingen Variant Classification Criteria Version 2. Collection method: clinical testing. Allele origin: germline. Affected: yes. Observed: 1 variant allele.
Comment: STIM1: BP4, BP7

NM_001382567.1(STIM1):c.1128C>T (p.Ala376=)

Gene: STIM1 (stromal interaction molecule 1; plus strand). Cytogenetic location: 11p15.4.
Variant type: single nucleotide variant.
Coding change: c.1128C>T on transcript NM_001382567.1 (MANE Select); coding-DNA position 1128, C replaced by T.
Protein change: p.Ala376=; no amino-acid change (alanine 376 retained).
Molecular consequence: synonymous variant. On other transcripts: non-coding transcript variant (2).
Genome position (GRCh38, 1-based): chr11:4,082,342, C>T. VCF-style: chr11-4082342-C-T. GRCh37 (hg19) VCF-style: chr11-4103572-C-T.
Other names: c.1128C>T, p.Ala376= (NM_001277961.3, NM_001277962.2, NM_001382568.1 and 1 more transcripts); c.906C>T, p.Ala302= (NM_001382566.1, NM_001382573.1, NM_001382575.1 and 4 more transcripts); c.993C>T, p.Ala331= (NM_001382569.1); c.900C>T, p.Ala300= (NM_001382570.1); c.648C>T, p.Ala216= (NM_001382571.1); c.639C>T, p.Ala213= (NM_001382580.1, NM_001382581.1).
Identifiers: ClinVar variation 530884 (VCV000530884.37), dbSNP rs200375470, ClinGen allele CA5830387.